The following is an entry in ClinVar:

GRCh38/hg38 3p26.3(chr3:76052-229025)x1

Genes: CHL1 (cell adhesion molecule L1 like; plus strand), CHL1-AS2 (CHL1 antisense RNA 2; minus strand), LOC126806585 (CDK7 strongly-dependent group 2 enhancer GRCh37_chr3:118683-119882; plus strand), LOC126806586 (MED14-independent group 3 enhancer GRCh37_chr3:152955-154154; plus strand). Cytogenetic location: 3p26.3.
Variant type: copy number loss.
Change: copy number 1 (one copy instead of two) of chr3:76,052-229,025 (153.0 kb, GRCh38 coordinates, 1-based), cytogenetic band 3p26.3.
Identifiers: ClinVar variation 56999 (VCV000056999.1).

ClinVar aggregate classification (germline): Uncertain significance (1 of 4 stars; one submission).

Submission:

ISCA site 4
Classification: Uncertain significance. Last evaluated: 2011-08-12. Review status: criteria provided, single submitter. Criteria: Kaminsky et al. (Genet Med. 2011). Collection method: clinical testing. Allele origin: unknown. Affected: yes. Observed: 1 variant allele.
Comment: Copy number variation identified through the course of routine clinical cytogenomic testing in postnatal populations. Clinical assertions have been curated as described in Kaminsky et al. 2011.